The following is an entry in ClinVar:

ClinVar aggregate classification (germline): Uncertain significance (1 of 4 stars; one submission).

Allele frequency attached by ClinVar (database versions not stated): gnomAD exomes below 0.00001.
gnomAD v4.1: 1 of 1,614,118 alleles (0.000062%); highest among the groups gnomAD compares: Non-Finnish European, 0.000085%; no homozygotes.

Submission:

Labcorp Genetics (formerly Invitae), Labcorp
Classification: Uncertain significance. Last evaluated: 2022-03-10. Review status: criteria provided, single submitter. Criteria: Invitae Variant Classification Sherloc (09022015). Collection method: clinical testing. Allele origin: germline.
Comment: In summary, the available evidence is currently insufficient to determine the role of this variant in disease. Therefore, it has been classified as a Variant of Uncertain Significance. Algorithms developed to predict the effect of missense changes on protein structure and function (SIFT, PolyPhen-2, Align-GVGD) all suggest that this variant is likely to be disruptive. This variant has not been reported in the literature in individuals affected with COL2A1-related conditions. This variant is not present in population databases (gnomAD no frequency). This sequence change replaces proline, which is neutral and non-polar, with leucine, which is neutral and non-polar, at codon 668 of the COL2A1 protein (p.Pro668Leu).

NM_001844.5(COL2A1):c.2003C>T (p.Pro668Leu)

Gene: COL2A1 (collagen type II alpha 1 chain; minus strand). Cytogenetic location: 12q13.11.
Variant type: single nucleotide variant.
Coding change: c.2003C>T on transcript NM_001844.5 (MANE Select); coding-DNA position 2003, C replaced by T.
Protein change: p.Pro668Leu; replaces proline 668 with leucine.
Molecular consequence: missense variant.
Genome position (GRCh38, 1-based): chr12:47,983,431, G>A on the plus strand (C>T on the coding strand, the complement: COL2A1 is on the minus strand). VCF-style: chr12-47983431-G-A. GRCh37 (hg19) VCF-style: chr12-48377214-G-A.
Other names: c.1796C>T, p.Pro599Leu (NM_033150.3); short protein forms P668L, P599L.
Identifiers: ClinVar variation 1475782 (VCV001475782.8), dbSNP rs1259744514, ClinGen allele CA384548097.